The following is an entry in ClinVar:

ClinVar aggregate classification (germline): Likely pathogenic (1 of 4 stars; one submission).

Conditions:
Autosomal recessive Alport syndrome (ATS2). Also called: Alport syndrome type 2; COL4A4 Alport Syndrome and Thin Basement Membrane Nephropathy; ALPORT SYNDROME 2, AUTOSOMAL RECESSIVE; COL4A3-Related Nephropathy. Identifiers: Orphanet 63, Orphanet 88919, MedGen C4746745, MONDO:0008762, OMIM 203780.

Submission:

Myriad Genetics, Inc.
Classification: Likely pathogenic for Autosomal recessive Alport syndrome. Last evaluated: 2022-05-18. Review status: criteria provided, single submitter. Criteria: Myriad Women's Health Autosomal Recessive and X-Linked Classification Criteria (2021). Collection method: clinical testing. Allele origin: unknown.
Comment: NM_000091.4(COL4A3):c.3327_3330delTGGC(G1110Sfs*43) is expected to be pathogenic in the context of COL4A3-related Alport syndrome. This variant is predicted to lead to an abnormal or absent protein product due to the creation of a premature termination codon in COL4A3, a gene where loss-of-function variants are known to be pathogenic. Please note: this variant was assessed in the context of healthy population screening.

NM_000091.5(COL4A3):c.3327_3330del (p.Gly1110fs)

Genes: MFF-DT (MFF divergent transcript; minus strand), COL4A3 (collagen type IV alpha 3 chain; plus strand). Cytogenetic location: 2q36.3.
Variant type: Deletion.
Coding change: c.3327_3330del on transcript NM_000091.5 (MANE Select); coding-DNA positions 3327 to 3330, 4 bases deleted (TGGC; older notation c.3327_3330delTGGC).
Protein change: p.Gly1110fs; shifts the reading frame from glycine 1110.
Molecular consequence: frameshift variant.
Genome position (GRCh38, 1-based): chr2:227,293,307-227,293,310, TGGC deleted; deleting any 4 consecutive bases within chr2:227,293,306-227,293,310 gives the same sequence; the c. name uses the placement nearest the transcript's 3' end. VCF-style (leftmost placement, unchanged base first): chr2-227293305-CCTGG-C. GRCh37 (hg19) VCF-style: chr2-228158021-CCTGG-C.
Other names: short protein forms G1110fs.
Identifiers: ClinVar variation 1726151 (VCV001726151.2), dbSNP rs2469850410, ClinGen allele CA2580065951.